The following is an entry in ClinVar:

ClinVar aggregate classification (germline): Uncertain significance (1 of 4 stars; one submission).

Allele frequency attached by ClinVar (database versions not stated): TOPMed 0.00001.

Submission:

GeneDx
Classification: Uncertain significance. Last evaluated: 2019-06-21. Review status: criteria provided, single submitter. Criteria: GeneDx Variant Classification Process June 2021. Collection method: clinical testing. Allele origin: germline. Affected: yes.
Comment: Not observed in large population cohorts (Lek et al., 2016); In silico analysis, which includes protein predictors and evolutionary conservation, supports a deleterious effect; Has not been previously published as pathogenic or benign to our knowledge

NM_004820.5(CYP7B1):c.1409T>C (p.Phe470Ser)

Gene: CYP7B1 (cytochrome P450 family 7 subfamily B member 1; minus strand). Cytogenetic location: 8q12.3.
Variant type: single nucleotide variant.
Coding change: c.1409T>C on transcript NM_004820.5 (MANE Select); coding-DNA position 1409, T replaced by C.
Protein change: p.Phe470Ser; replaces phenylalanine 470 with serine.
Molecular consequence: missense variant. On other transcripts: intron variant (1).
Genome position (GRCh38, 1-based): chr8:64,596,754, A>G on the plus strand (T>C on the coding strand, the complement: CYP7B1 is on the minus strand). VCF-style: chr8-64596754-A-G. GRCh37 (hg19) VCF-style: chr8-65509311-A-G.
Other names: c.1234-6910T>C (NM_001324112.2); short protein forms F470S.
Identifiers: ClinVar variation 1306365 (VCV001306365.2), dbSNP rs1805123407, ClinGen allele CA371333242.